The following is an entry in ClinVar:

NM_033064.5(ATCAY):c.*2497C>T

Gene: ATCAY (ATCAY kinesin light chain interacting caytaxin; plus strand). Cytogenetic location: 19p13.3.
Variant type: single nucleotide variant.
Coding change: c.*2497C>T on transcript NM_033064.5 (MANE Select); 2497 bases downstream of the stop codon, C replaced by T.
Molecular consequence: 3 prime UTR variant.
Genome position (GRCh38, 1-based): chr19:3,927,089, C>T. VCF-style: chr19-3927089-C-T. GRCh37 (hg19) VCF-style: chr19-3927087-C-T.
Identifiers: ClinVar variation 893191 (VCV000893191.4), dbSNP rs143923838, ClinGen allele CA304406186.

ClinVar aggregate classification (germline): Benign (1 of 4 stars; one submission).

Conditions:
Cayman type cerebellar ataxia. Also called: Cayman ataxia. Identifiers: Orphanet 94122, MedGen C1832585, MONDO:0011025, OMIM 601238.

Allele frequency attached by ClinVar (database versions not stated): TOPMed 0.00140; 1000 Genomes Project 30x 0.00375; 1000 Genomes Project 0.00399.

Submission:

Illumina Laboratory Services, Illumina
Classification: Benign for Cayman type cerebellar ataxia. Last evaluated: 2018-01-13. Review status: criteria provided, single submitter. Criteria: ICSL Variant Classification Criteria 13 December 2019. Collection method: clinical testing. Allele origin: germline.
Comment: This variant was observed in the ICSL laboratory as part of a predisposition screen in an ostensibly healthy population. It had not been previously curated by ICSL or reported in the Human Gene Mutation Database (HGMD: prior to June 1st, 2018), and was therefore a candidate for classification through an automated scoring system. Utilizing variant allele frequency, disease prevalence and penetrance estimates, and inheritance mode, an automated score was calculated to assess if this variant is too frequent to cause the disease. Based on the score and internal cut-off values, a variant classified as benign is not then subjected to further curation. The score for this variant resulted in a classification of benign for this disease.